The following is an entry in ClinVar:

NM_198253.3(TERT):c.2897C>G (p.Ala966Gly)

Gene: TERT (telomerase reverse transcriptase; minus strand). Cytogenetic location: 5p15.33.
Variant type: single nucleotide variant.
Coding change: c.2897C>G on transcript NM_198253.3 (MANE Select); coding-DNA position 2897, C replaced by G.
Protein change: p.Ala966Gly; replaces alanine 966 with glycine.
Molecular consequence: missense variant. On other transcripts: non-coding transcript variant (2).
Genome position (GRCh38, 1-based): chr5:1,260,547, G>C on the plus strand (C>G on the coding strand, the complement: TERT is on the minus strand). VCF-style: chr5-1260547-G-C. GRCh37 (hg19) VCF-style: chr5-1260662-G-C.
Other names: c.2708C>G, p.Ala903Gly (NM_001193376.3); short protein forms A903G, A966G.
Identifiers: ClinVar variation 3967399 (VCV003967399.2).
Genomic context (GRCh38, chr5:1,260,547, plus strand): 5'-AACAGGCTGTGACACTTCAGCCGCAAGACCCCAAAGAGTTTGCGACGCATGTTCCTCCCA[G>C]CCTTGAAGCCGCGGTTGAAGGTGAGACTGGCTCTGATGGAGGTCCGGGCATAGCTGAGAC-3'
Protein context (NP_937983.2, residues 956-976): ASLTFNRGFK[Ala966Gly]GRNMRRKLFG

ClinVar aggregate classification (germline): Uncertain significance (1 of 4 stars; one submission).

Conditions:
Dyskeratosis congenita. Identifiers: Orphanet 1775, MedGen C0265965, MONDO:0015780.

gnomAD v4.1: 1 of 1,614,076 alleles (0.000062%); highest among the groups gnomAD compares: Non-Finnish European, 0.000085%; no homozygotes.

Submission:

Ambry Genetics
Classification: Uncertain significance for Dyskeratosis congenita. Last evaluated: 2026-07-26. Review status: criteria provided, single submitter. Criteria: Ambry Variant Classification Scheme 2023. Collection method: clinical testing. Allele origin: germline.
Comment: The p.A966G variant (also known as c.2897C>G), located in coding exon 12 of the TERT gene, results from a C to G substitution at nucleotide position 2897. The alanine at codon 966 is replaced by glycine, an amino acid with similar properties. This amino acid position is conserved. In addition, this alteration is predicted to be tolerated by in silico analysis. Based on the available evidence, the clinical significance of this variant remains unclear.